The following is an entry in ClinVar:

NM_001368894.2(PAX6):c.102del (p.His34fs)

Gene: PAX6 (paired box 6; minus strand). Cytogenetic location: 11p13.
Variant type: Deletion.
Coding change: c.102del on transcript NM_001368894.2 (MANE Select); coding-DNA position 102, one base deleted (C; older notation c.102delC).
Protein change: p.His34fs; shifts the reading frame from histidine 34.
Molecular consequence: frameshift variant. On other transcripts: 5 prime UTR variant (12), non-coding transcript variant (2), intron variant (2).
Genome position (GRCh38, 1-based): chr11:31,802,743, G deleted on the plus strand (C on the coding strand, the reverse complement: PAX6 is on the minus strand). VCF-style (leftmost placement, unchanged base first): chr11-31802742-TG-T. GRCh37 (hg19) VCF-style: chr11-31824290-TG-T.
Other names: c.102del, p.His34fs (NM_000280.6, NM_001127612.3, NM_001258462.3 and 30 more transcripts); c.-680del (NM_001310160.2, NM_001368905.2); c.-349del (NM_001310161.3, NM_001368900.2, NM_001368903.2 and 2 more transcripts); c.-307del (NM_001368899.2, NM_001368901.2, NM_001368906.2 and 1 more transcripts); c.-638del (NM_001368902.2); c.345del, p.His115fs (NM_001368910.2); c.105del, p.His35fs (NM_001368911.2); c.-267-967del (NM_001368909.2, NM_001368904.2); short protein forms H115fs, H34fs, H35fs.
Identifiers: ClinVar variation 2951088 (VCV002951088.3), dbSNP rs2496295153, ClinGen allele CA2740093666.
Genomic context (GRCh38, chr11:31,802,742, plus strand): 5'-GGGGCGGCGCCGGGAGGATCACCTGCAGAATTCGGGAAATGTCGCACGGCCGGGCCCCGC[TG>T]TGAGCTAGCTCTACAATCTTCTGCCGGGTGGAGTCCGGCAGTGGCCGCCCGTTGACAAAG-3'

ClinVar aggregate classification (germline): Pathogenic (1 of 4 stars; one submission).

Conditions:
Aniridia 1 (AN1). Identifiers: Orphanet 250923, MedGen C0344542, MONDO:0024507, OMIM 106210.
Irido-corneo-trabecular dysgenesis (ASGD5). Also called: ANTERIOR SEGMENT DYSGENESIS 5. Identifiers: Orphanet 708, MedGen C0344559, MONDO:0011414, OMIM 604229, HP:0000659.

Submission:

Labcorp Genetics (formerly Invitae), Labcorp
Classification: Pathogenic for Aniridia 1; Irido-corneo-trabecular dysgenesis. Last evaluated: 2023-09-19. Review status: criteria provided, single submitter. Criteria: Invitae Variant Classification Sherloc (09022015). Collection method: clinical testing. Allele origin: germline.
Comment: For these reasons, this variant has been classified as Pathogenic. This variant has not been reported in the literature in individuals affected with PAX6-related conditions. This variant is not present in population databases (gnomAD no frequency). This sequence change creates a premature translational stop signal (p.His34Glnfs*20) in the PAX6 gene. It is expected to result in an absent or disrupted protein product. Loss-of-function variants in PAX6 are known to be pathogenic (PMID: 12634864).

Literature cited by the submitters: PubMed 12634864.